The following is an entry in ClinVar:

NM_003859.3(DPM1):c.339CAT[1] (p.Ile116del)

Gene: DPM1 (dolichyl-phosphate mannosyltransferase subunit 1, catalytic; minus strand). Cytogenetic location: 20q13.13.
Variant type: Microsatellite.
Coding change: c.339CAT[1] on transcript NM_003859.3 (MANE Select); one copy of the 3-base unit CAT starting at c.339; the reference has two copies in a row; one copy, 3 bases deleted.
Protein change: p.Ile116del; deletes isoleucine 116.
Molecular consequence: inframe deletion. On other transcripts: non-coding transcript variant (1).
Genome position (GRCh38, 1-based): chr20:50,945,875-50,945,877, ATG deleted on the plus strand (CAT on the coding strand, the reverse complement: DPM1 is on the minus strand); deleting any 3 consecutive bases within chr20:50,945,875-50,945,880 gives the same sequence; the position shown is the placement nearest the transcript's 3' end. VCF-style (leftmost placement, unchanged base first): chr20-50945874-AATG-A. GRCh37 (hg19) VCF-style: chr20-49562411-AATG-A.
Other names: c.339CAT[1], p.Ile116del (NM_001317034.1, NM_001317035.1, NM_001317036.1); short protein forms I116del.
Identifiers: ClinVar variation 1898546 (VCV001898546.5), dbSNP rs1986255065, ClinGen allele CA2368766604.

ClinVar aggregate classification (germline): Uncertain significance (1 of 4 stars; one submission).

Conditions:
Congenital disorder of glycosylation type 1E (CDG1E). Also called: CONGENITAL DISORDER OF GLYCOSYLATION, TYPE Ie; CDG Ie. Identifiers: Orphanet 79322, MedGen C1837396, MONDO:0012123, OMIM 608799.

Submission:

Labcorp Genetics (formerly Invitae), Labcorp
Classification: Uncertain significance for Congenital disorder of glycosylation type 1E. Last evaluated: 2022-04-03. Review status: criteria provided, single submitter. Criteria: Invitae Variant Classification Sherloc (09022015). Collection method: clinical testing. Allele origin: germline.
Comment: This variant, c.342_344del, results in the deletion of 1 amino acid(s) of the DPM1 protein (p.Ile116del), but otherwise preserves the integrity of the reading frame. This variant is not present in population databases (gnomAD no frequency). This variant has not been reported in the literature in individuals affected with DPM1-related conditions. Experimental studies and prediction algorithms are not available or were not evaluated, and the functional significance of this variant is currently unknown. In summary, the available evidence is currently insufficient to determine the role of this variant in disease. Therefore, it has been classified as a Variant of Uncertain Significance.